The following is an entry in ClinVar:

ClinVar aggregate classification (germline): Uncertain significance (1 of 4 stars; one submission).

Submission:

Greenwood Genetic Center Diagnostic Laboratories, Greenwood Genetic Center
Classification: Uncertain significance. Last evaluated: 2024-08-20. Review status: criteria provided, single submitter. Criteria: ACMG Guidelines, 2015. Collection method: clinical testing. Allele origin: germline. Affected: yes.
Comment: Gene of Uncertain Significance

NM_001191061.2(SLC25A22):c.26C>T (p.Pro9Leu)

Gene: SLC25A22 (solute carrier family 25 member 22; minus strand). Cytogenetic location: 11p15.5.
Variant type: single nucleotide variant.
Coding change: c.26C>T on transcript NM_001191061.2 (MANE Select); coding-DNA position 26, C replaced by T.
Protein change: p.Pro9Leu; replaces proline 9 with leucine.
Molecular consequence: missense variant. On other transcripts: 5 prime UTR variant (1).
Genome position (GRCh38, 1-based): chr11:794,896, G>A on the plus strand (C>T on the coding strand, the complement: SLC25A22 is on the minus strand). VCF-style: chr11-794896-G-A. GRCh37 (hg19) VCF-style: chr11-794896-G-A.
Other names: c.26C>T, p.Pro9Leu (NM_001191060.2, NM_001425334.1, NM_001425335.1 and 9 more transcripts); c.-298C>T (NM_001425344.1); short protein forms P9L.
Identifiers: ClinVar variation 3765601 (VCV003765601.1).